The following is an entry in ClinVar:

ClinVar aggregate classification (germline): Uncertain significance (1 of 4 stars; one submission).

Conditions:
Inborn genetic diseases. Identifiers: MedGen C0950123, MeSH D030342.

gnomAD v4.1: 1 of 1,478,494 alleles (0.000068%); highest among the groups gnomAD compares: South Asian, 0.0012%; no homozygotes.

Submission:

Ambry Genetics
Classification: Uncertain significance for Inborn genetic diseases. Last evaluated: 2025-11-22. Review status: criteria provided, single submitter. Criteria: Ambry Variant Classification Scheme 2023. Collection method: clinical testing. Allele origin: germline.
Comment: The p.L142V variant (also known as c.424C>G), located in coding exon 1 of the SH2B3 gene, results from a C to G substitution at nucleotide position 424. The leucine at codon 142 is replaced by valine, an amino acid with highly similar properties. This amino acid position is conserved. In addition, this alteration is predicted to be tolerated by in silico analysis. Based on the available evidence, the clinical significance of this variant remains unclear.

NM_005475.3(SH2B3):c.424C>G (p.Leu142Val)

Gene: SH2B3 (SH2B adaptor protein 3; plus strand). Cytogenetic location: 12q24.12.
Variant type: single nucleotide variant.
Coding change: c.424C>G on transcript NM_005475.3 (MANE Select); coding-DNA position 424, C replaced by G.
Protein change: p.Leu142Val; replaces leucine 142 with valine.
Molecular consequence: missense variant.
Genome position (GRCh38, 1-based): chr12:111,418,569, C>G. VCF-style: chr12-111418569-C-G. GRCh37 (hg19) VCF-style: chr12-111856373-C-G.
Other names: short protein forms L142V.
Identifiers: ClinVar variation 4630761 (VCV004630761.1).